The following is an entry in ClinVar:

NM_000875.5(IGF1R):c.910A>G (p.Met304Val)

Gene: IGF1R (insulin like growth factor 1 receptor; plus strand). Cytogenetic location: 15q26.3.
Variant type: single nucleotide variant.
Coding change: c.910A>G on transcript NM_000875.5 (MANE Select); coding-DNA position 910, A replaced by G.
Protein change: p.Met304Val; replaces methionine 304 with valine.
Molecular consequence: missense variant.
Genome position (GRCh38, 1-based): chr15:98,891,594, A>G. VCF-style: chr15-98891594-A-G. GRCh37 (hg19) VCF-style: chr15-99434823-A-G.
Other names: c.910A>G, p.Met304Val (NM_001291858.2); short protein forms M304V.
Identifiers: ClinVar variation 4768514 (VCV004768514.1).

ClinVar aggregate classification (germline): Uncertain significance (1 of 4 stars; one submission).

gnomAD v4.1: 2 of 1,604,114 alleles (0.00012%); highest among the groups gnomAD compares: Non-Finnish European, 0.00017%; no homozygotes.

Submission:

Labcorp Genetics (formerly Invitae), Labcorp
Classification: Uncertain significance. Last evaluated: 2026-02-03. Review status: criteria provided, single submitter. Criteria: Invitae Variant Classification Sherloc (09022015). Collection method: clinical testing. Allele origin: germline.
Comment: This sequence change replaces methionine, which is neutral and non-polar, with valine, which is neutral and non-polar, at codon 304 of the IGF1R protein (p.Met304Val). This variant is not present in population databases (gnomAD no frequency). This variant has not been reported in the literature in individuals affected with IGF1R-related conditions. Invitae Evidence Modeling of protein sequence and biophysical properties (such as structural, functional, and spatial information, amino acid conservation, physicochemical variation, residue mobility, and thermodynamic stability) indicates that this missense variant is not expected to disrupt IGF1R protein function with a negative predictive value of 80%. In summary, the available evidence is currently insufficient to determine the role of this variant in disease. Therefore, it has been classified as a Variant of Uncertain Significance.